The following is an entry in ClinVar:

NM_000048.4(ASL):c.207G>A (p.Lys69=)

Gene: ASL (argininosuccinate lyase; plus strand). Cytogenetic location: 7q11.21.
Variant type: single nucleotide variant.
Coding change: c.207G>A on transcript NM_000048.4 (MANE Select); coding-DNA position 207, G replaced by A.
Protein change: p.Lys69=; no amino-acid change (lysine 69 retained).
Molecular consequence: synonymous variant.
Genome position (GRCh38, 1-based): chr7:66,081,997, G>A. VCF-style: chr7-66081997-G-A. GRCh37 (hg19) VCF-style: chr7-65546984-G-A.
Other names: c.207G>A, p.Lys69= (NM_001024943.2, NM_001024944.2, NM_001024946.2).
Identifiers: ClinVar variation 285041 (VCV000285041.6), dbSNP rs886043007, ClinGen allele CA10604983.

ClinVar aggregate classification (germline): Uncertain significance. Review status: criteria provided, multiple submitters, no conflicts (2 of 4 stars). 2 submissions from 2 submitters: Uncertain significance (2). Last evaluated 2020-01-27.

Conditions:
Argininosuccinate lyase deficiency. Also called: ARGININOSUCCINIC ACID LYASE DEFICIENCY; Argininosuccinic aciduria; ASL DEFICIENCY. Identifiers: Orphanet 23, MedGen C0268547, MONDO:0008815, OMIM 207900, HP:0025630.

Submissions (2):

Baylor Genetics
Classification: Uncertain significance for Argininosuccinate lyase deficiency. Last evaluated: 2020-01-27. Review status: criteria provided, single submitter. Criteria: ACMG Guidelines, 2015. Collection method: clinical testing. Allele origin: unknown. Affected: yes.
Comment: This variant was determined to be of uncertain significance according to ACMG Guidelines, 2015 [PMID:25741868].

Eurofins Ntd Llc (ga)
Classification: Uncertain significance. Last evaluated: 2015-12-07. Review status: criteria provided, single submitter. Criteria: EGL Classification Definitions 2015. Collection method: clinical testing. Allele origin: germline. Observed: 1 variant allele, 1 homozygote.